The following is an entry in ClinVar:

ClinVar aggregate classification (germline): Likely benign (1 of 4 stars; one submission).

Allele frequency attached by ClinVar (database versions not stated): ExAC 0.00001; gnomAD 0.00001; gnomAD exomes 0.00001.
gnomAD v4.1: 9 of 1,612,198 alleles (0.00056%); highest among the groups gnomAD compares: Non-Finnish European, 0.00076%; no homozygotes.

Submission:

CeGaT Center for Human Genetics Tuebingen
Classification: Likely benign. Last evaluated: 2022-08-01. Review status: criteria provided, single submitter. Criteria: CeGaT Center For Human Genetics Tuebingen Variant Classification Criteria Version 2. Collection method: clinical testing. Allele origin: germline. Affected: yes. Observed: 1 variant allele.
Comment: FAM169A: BP4, BP7

NM_001376049.1(FAM169A):c.843T>C (p.Tyr281=)

Gene: FAM169A (family with sequence similarity 169 member A; minus strand). Cytogenetic location: 5q13.3.
Variant type: single nucleotide variant.
Coding change: c.843T>C on transcript NM_001376049.1 (MANE Select); coding-DNA position 843, T replaced by C.
Protein change: p.Tyr281=; no amino-acid change (tyrosine 281 retained).
Molecular consequence: synonymous variant. On other transcripts: non-coding transcript variant (3).
Genome position (GRCh38, 1-based): chr5:74,804,562, A>G on the plus strand (T>C on the coding strand, the complement: FAM169A is on the minus strand). VCF-style: chr5-74804562-A-G. GRCh37 (hg19) VCF-style: chr5-74100387-A-G.
Other names: c.843T>C, p.Tyr281= (NM_001376050.1, NM_001376051.1, NM_001376052.1 and 1 more transcripts); c.585T>C, p.Tyr195= (NM_001376053.1); c.297T>C, p.Tyr99= (NM_001376054.1).
Identifiers: ClinVar variation 2655532 (VCV002655532.24), dbSNP rs748950921, ClinGen allele CA3307472.